The following is an entry in ClinVar:

NM_001204.7(BMPR2):c.2753A>G (p.Gln918Arg)

Gene: BMPR2 (bone morphogenetic protein receptor type 2; plus strand). Cytogenetic location: 2q33.2.
Variant type: single nucleotide variant.
Coding change: c.2753A>G on transcript NM_001204.7 (MANE Select); coding-DNA position 2753, A replaced by G.
Protein change: p.Gln918Arg; replaces glutamine 918 with arginine.
Molecular consequence: missense variant.
Genome position (GRCh38, 1-based): chr2:202,556,418, A>G. VCF-style: chr2-202556418-A-G. GRCh37 (hg19) VCF-style: chr2-203421141-A-G.
Other names: short protein forms Q918R.
Identifiers: ClinVar variation 3992090 (VCV003992090.1).

ClinVar aggregate classification (germline): Uncertain significance (1 of 4 stars; one submission).

Conditions:
Inborn genetic diseases. Identifiers: MedGen C0950123, MeSH D030342.

gnomAD v4.1: 7 of 1,614,100 alleles (0.00043%); highest among the groups gnomAD compares: African/African-American, 0.0093%; no homozygotes.

Submission:

Ambry Genetics
Classification: Uncertain significance for Inborn genetic diseases. Last evaluated: 2025-04-01. Review status: criteria provided, single submitter. Criteria: Ambry Variant Classification Scheme 2023. Collection method: clinical testing. Allele origin: germline.
Comment: The p.Q918R variant (also known as c.2753A>G), located in coding exon 12 of the BMPR2 gene, results from an A to G substitution at nucleotide position 2753. The glutamine at codon 918 is replaced by arginine, an amino acid with highly similar properties. This amino acid position is conserved. In addition, this alteration is predicted to be tolerated by in silico analysis. Based on the available evidence, the clinical significance of this variant remains unclear.